The following is an entry in ClinVar:

NM_001281747.2(MLIP):c.404del (p.Leu135fs)

Genes: MLIP (muscular LMNA interacting protein; plus strand), LOC126859697 (CDK7 strongly-dependent group 2 enhancer GRCh37_chr6:53989184-53990383; plus strand). Cytogenetic location: 6p12.1.
Variant type: Deletion.
Coding change: c.404del on transcript NM_001281747.2 (MANE Select); coding-DNA position 404, one base deleted (T; older notation c.404delT).
Protein change: p.Leu135fs; shifts the reading frame from leucine 135.
Molecular consequence: frameshift variant.
Genome position (GRCh38, 1-based): chr6:54,124,624, T deleted. VCF-style (leftmost placement, unchanged base first): chr6-54124623-CT-C. GRCh37 (hg19) VCF-style: chr6-53989421-CT-C.
Other names: c.371del, p.Leu124fs (NM_001281746.2, NM_138569.3); short protein forms L124fs, L135fs.
Identifiers: ClinVar variation 4534948 (VCV004534948.6).

ClinVar aggregate classification (germline): Pathogenic (1 of 4 stars; one submission).

Submission:

CeGaT Center for Human Genetics Tuebingen
Classification: Pathogenic. Last evaluated: 2025-10-01. Review status: criteria provided, single submitter. Criteria: CeGaT Center For Human Genetics Tuebingen Variant Classification Criteria Version 2. Collection method: clinical testing. Allele origin: germline. Affected: yes. Observed: 1 variant allele.
Comment: MLIP: PVS1, PM2